The following is an entry in ClinVar:

NC_000002.12:g.110131796_110131797insTTTTTTTTTTTTTTTTTTTTNNNNNNNNNNAGGATGGTCTCGATCTCCTGACCTCGTGATCCGCCCGCCTCGGCCTCCCAAAGTGCTGGGATTACAGGCGTGGCAGTAGACTATT

Gene: NPHP1 (nephrocystin 1; minus strand). Cytogenetic location: 2q13.
Variant type: Insertion.
Genome position: GRCh38: chr2:110,131,796-110,131,797. GRCh37 (hg19): chr2:110,889,373-110,889,374.
Identifiers: ClinVar variation 2835233 (VCV002835233.3).

ClinVar aggregate classification (germline): Pathogenic (1 of 4 stars; one submission).

Conditions:
Nephronophthisis. Also called: Juvenile Nephronophthisis. Identifiers: Orphanet 655, MedGen C0687120, MONDO:0019005, HP:0000090.

Submission:

Labcorp Genetics (formerly Invitae), Labcorp
Classification: Pathogenic for Nephronophthisis. Last evaluated: 2023-02-07. Review status: criteria provided, single submitter. Criteria: Invitae Variant Classification Sherloc (09022015). Collection method: clinical testing. Allele origin: germline.
Comment: This sequence change inserts a large fragment of DNA, likely a transposable element, in exon 17 of the NPHP1 gene (c.1707_1708ins?), causing a frameshift at codon 570 (p.Glu570fs). The exact size and sequence of the insertion cannot be determined by the current assay. However, the insertion is expected to result in an absent or disrupted protein product. This variant is not present in population databases (gnomAD no frequency). This variant has not been reported in the literature in individuals affected with NPHP1-related conditions. Retrotransposon insertions including LINE1 (L1), Alu, and SVA (SINE-VNTR-Alu) have been reported to be disease-causing through disruption of either a coding region or splice site (PMID: 19763152, 20307669, 22406018) and loss-of-function variants in NPHP1 are known to be pathogenic (PMID: 23559409). For these reasons, this variant has been classified as Pathogenic.

Literature cited by the submitters: PubMed 19763152; PubMed 20307669; PubMed 22406018; PubMed 23559409.